The following is an entry in ClinVar:

ClinVar aggregate classification (germline): Conflicting classifications of pathogenicity. Review status: criteria provided, conflicting classifications (1 of 4 stars). 3 submissions from 3 submitters: Uncertain significance (1); Likely benign (2). Last evaluated 2025-06-14.

Conditions:
PLXNA3-related disorder. Also called: PLXNA3-related condition.

Allele frequency attached by ClinVar (database versions not stated): gnomAD exomes 0.00002; TOPMed 0.00005; ExAC 0.00006; gnomAD 0.00006.
gnomAD v4.1: 34 of 1,210,960 alleles (0.0028%); highest among the groups gnomAD compares: Non-Finnish European, 0.00067%; no homozygotes.

Submissions (3):

PreventionGenetics, part of Exact Sciences
Classification: Likely benign for PLXNA3-related condition. Last evaluated: 2025-06-14. Review status: criteria provided, single submitter. Criteria: ACMG Guidelines, 2015. Collection method: clinical testing. Allele origin: germline.
Comment: This variant is classified as likely benign based on ACMG/AMP sequence variant interpretation guidelines (Richards et al. 2015 PMID: 25741868, with internal and published modifications).

Ambry Genetics
Classification: Uncertain significance. Last evaluated: 2024-10-06. Review status: criteria provided, single submitter. Criteria: Ambry Variant Classification Scheme 2023. Collection method: clinical testing. Allele origin: germline.

CeGaT Center for Human Genetics Tuebingen
Classification: Likely benign. Last evaluated: 2023-01-01. Review status: criteria provided, single submitter. Criteria: CeGaT Center For Human Genetics Tuebingen Variant Classification Criteria Version 2. Collection method: clinical testing. Allele origin: germline. Affected: yes. Observed: 1 variant allele.
Comment: PLXNA3: BS2

NM_017514.5(PLXNA3):c.974A>C (p.Gln325Pro)

Gene: PLXNA3 (plexin A3; plus strand). Cytogenetic location: Xq28.
Variant type: single nucleotide variant.
Coding change: c.974A>C on transcript NM_017514.5 (MANE Select); coding-DNA position 974, A replaced by C.
Protein change: p.Gln325Pro; replaces glutamine 325 with proline.
Molecular consequence: missense variant.
Genome position (GRCh38, 1-based): chrX:154,461,478, A>C. VCF-style: chrX-154461478-A-C. GRCh37 (hg19) VCF-style: chrX-153689818-A-C.
Other names: c.974A>C (NM_017514.3); short protein forms Q325P.
Identifiers: ClinVar variation 2661830 (VCV002661830.26), dbSNP rs781972092, ClinGen allele CA10563872.